The following is an entry in ClinVar:

NM_012318.3(LETM1):c.1953T>G (p.Ala651=)

Gene: LETM1 (leucine zipper and EF-hand containing transmembrane protein 1; minus strand). Cytogenetic location: 4p16.3.
Variant type: single nucleotide variant.
Coding change: c.1953T>G on transcript NM_012318.3 (MANE Select); coding-DNA position 1953, T replaced by G.
Protein change: p.Ala651=; no amino-acid change (alanine 651 retained).
Molecular consequence: synonymous variant.
Genome position (GRCh38, 1-based): chr4:1,815,781, A>C on the plus strand (T>G on the coding strand, the complement: LETM1 is on the minus strand). VCF-style: chr4-1815781-A-C. GRCh37 (hg19) VCF-style: chr4-1817508-A-C.
Identifiers: ClinVar variation 4084491 (VCV004084491.8).

ClinVar aggregate classification (germline): Likely benign (1 of 4 stars; one submission).

Submission:

CeGaT Center for Human Genetics Tuebingen
Classification: Likely benign. Last evaluated: 2025-08-01. Review status: criteria provided, single submitter. Criteria: CeGaT Center For Human Genetics Tuebingen Variant Classification Criteria Version 2. Collection method: clinical testing. Allele origin: germline. Affected: yes. Observed: 1 variant allele.
Comment: LETM1: PM2:Supporting, BP4, BP7